The following is an entry in ClinVar:

ClinVar aggregate classification (germline): Benign/Likely benign. Review status: criteria provided, multiple submitters, no conflicts (2 of 4 stars). 3 submissions from 3 submitters: Benign (1); Likely benign (2). Last evaluated 2024-12-06.

Conditions:
Familial cancer of breast. Also called: BREAST CANCER, FAMILIAL; Hereditary breast cancer; hereditary breast carcinoma. Identifiers: Orphanet 227535, MedGen C0346153, MONDO:0016419, OMIM 114480. Disease mechanism: loss of function.
Fanconi anemia complementation group J. Also called: BRIP1-Related Fanconi Anemia. Identifiers: Orphanet 84, MedGen C1836860, MONDO:0012187, OMIM 609054.

Submissions (3):

Quest Diagnostics Nichols Institute San Juan Capistrano
Classification: Likely benign. Last evaluated: 2024-12-06. Review status: criteria provided, single submitter. Criteria: Quest Diagnostics criteria. Collection method: clinical testing. Allele origin: unknown.

Myriad Genetics, Inc.
Classification: Benign for Familial cancer of breast. Last evaluated: 2024-09-03. Review status: criteria provided, single submitter. Criteria: Myriad Autosomal Dominant, Autosomal Recessive and X-Linked Classification Criteria (2023). Collection method: clinical testing. Allele origin: unknown.
Comment: This variant is considered benign. This variant is a silent/synonymous amino acid change and it is not expected to impact splicing.

Labcorp Genetics (formerly Invitae), Labcorp
Classification: Likely benign for Familial cancer of breast; Fanconi anemia complementation group J. Last evaluated: 2023-11-10. Review status: criteria provided, single submitter. Criteria: Invitae Variant Classification Sherloc (09022015). Collection method: clinical testing. Allele origin: germline.

NM_032043.3(BRIP1):c.2175A>G (p.Val725=)

Gene: BRIP1 (BRCA1 interacting DNA helicase 1; minus strand). Cytogenetic location: 17q23.2.
Variant type: single nucleotide variant.
Coding change: c.2175A>G on transcript NM_032043.3 (MANE Select); coding-DNA position 2175, A replaced by G.
Protein change: p.Val725=; no amino-acid change (valine 725 retained).
Molecular consequence: synonymous variant.
Genome position (GRCh38, 1-based): chr17:61,744,514, T>C on the plus strand (A>G on the coding strand, the complement: BRIP1 is on the minus strand). VCF-style: chr17-61744514-T-C. GRCh37 (hg19) VCF-style: chr17-59821875-T-C.
Identifiers: ClinVar variation 2940083 (VCV002940083.5), dbSNP rs2144698096, ClinGen allele CA501151338.